The following is an entry in ClinVar:

NR_003051.4(RMRP):n.256C>T

Gene: RMRP (RNA component of mitochondrial RNA processing endoribonuclease; minus strand). Cytogenetic location: 9p13.3.
Variant type: single nucleotide variant.
Molecular consequence: non-coding transcript variant (on NR_003051.4).
Genome position: GRCh38 VCF-style: chr9-35657764-G-A. GRCh37 (hg19) VCF-style: chr9-35657761-G-A.
Identifiers: ClinVar variation 3704893 (VCV003704893.2).

ClinVar aggregate classification (germline): Uncertain significance. Review status: criteria provided, multiple submitters, no conflicts (2 of 4 stars). 2 submissions from 2 submitters: Uncertain significance (2). Last evaluated 2025-11-06.

Conditions:
Anauxetic dysplasia. Identifiers: Orphanet 93347, MedGen C1846796, MONDO:0011773.

gnomAD v4.1: 5 of 692,024 alleles (0.00072%); highest among the groups gnomAD compares: Non-Finnish European, 0.0013%; no homozygotes.

Submissions (2):

Women's Health and Genetics/Laboratory Corporation of America, LabCorp
Classification: Uncertain significance. Last evaluated: 2025-11-06. Review status: criteria provided, single submitter. Criteria: LabCorp Variant Classification Summary - May 2015. Collection method: clinical testing. Allele origin: germline.
Comment: Variant summary: RMRP n.255C>T (also known as NC_000009.11: chr9:g.35657761G>A) alters a nucleotide in the non-coding RNA. The variant was absent in 127232 control chromosomes. The available data on variant occurrences in the general population are insufficient to allow any conclusion about variant significance. To our knowledge, no occurrence of n.255C>T in individuals affected with RMRP-related conditions and no experimental evidence demonstrating its impact on protein function have been reported. ClinVar contains an entry for this variant (Variation ID: 3704893). Based on the evidence outlined above, the variant was classified as uncertain significance.

Labcorp Genetics (formerly Invitae), Labcorp
Classification: Uncertain significance for Anauxetic dysplasia. Last evaluated: 2024-07-08. Review status: criteria provided, single submitter. Criteria: Invitae Variant Classification Sherloc (09022015). Collection method: clinical testing. Allele origin: germline.
Comment: This variant occurs in the RMRP gene, which encodes an RNA molecule that does not result in a protein product. This variant is not present in population databases (gnomAD no frequency). This variant has not been reported in the literature in individuals affected with RMRP-related conditions. This variant disrupts the n.255C nucleotide in the RMRP gene. Other variant(s) that disrupt this nucleotide have been determined to be pathogenic (PMID: 16252239, 17701897). This suggests that this nucleotide is clinically significant, and that variants that disrupt this position are likely to be disease-causing. In summary, the available evidence is currently insufficient to determine the role of this variant in disease. Therefore, it has been classified as a Variant of Uncertain Significance.

Literature cited by the submitters: PubMed 16252239 (cited by Labcorp Genetics (formerly Invitae), Labcorp); PubMed 17701897 (cited by Labcorp Genetics (formerly Invitae), Labcorp).